The following is an entry in ClinVar:

NM_015338.6(ASXL1):c.2164C>T (p.Pro722Ser)

Gene: ASXL1 (ASXL transcriptional regulator 1; plus strand). Cytogenetic location: 20q11.21.
Variant type: single nucleotide variant.
Coding change: c.2164C>T on transcript NM_015338.6 (MANE Select); coding-DNA position 2164, C replaced by T.
Protein change: p.Pro722Ser; replaces proline 722 with serine.
Molecular consequence: missense variant.
Genome position (GRCh38, 1-based): chr20:32,434,876, C>T. VCF-style: chr20-32434876-C-T. GRCh37 (hg19) VCF-style: chr20-31022679-C-T.
Other names: c.1981C>T, p.Pro661Ser (NM_001363734.1); short protein forms P661S, P722S.
Identifiers: ClinVar variation 4827387 (VCV004827387.1).

ClinVar aggregate classification (germline): Uncertain significance (1 of 4 stars; one submission).

Conditions:
Inborn genetic diseases. Identifiers: MedGen C0950123, MeSH D030342.

Submission:

Ambry Genetics
Classification: Uncertain significance for Inborn genetic diseases. Last evaluated: 2026-02-27. Review status: criteria provided, single submitter. Criteria: Ambry Variant Classification Scheme 2023. Collection method: clinical testing. Allele origin: germline.
Comment: The p.P722S variant (also known as c.2164C>T), located in coding exon 13 of the ASXL1 gene, results from a C to T substitution at nucleotide position 2164. The proline at codon 722 is replaced by serine, an amino acid with similar properties. This amino acid position is conserved. In addition, this alteration is predicted to be tolerated by in silico analysis. Based on the available evidence, the clinical significance of this variant remains unclear.